The following is an entry in ClinVar:

NM_012414.4(RAB3GAP2):c.550C>T (p.Pro184Ser)

Gene: RAB3GAP2 (RAB3 GTPase activating non-catalytic protein subunit 2; minus strand). Cytogenetic location: 1q41.
Variant type: single nucleotide variant.
Coding change: c.550C>T on transcript NM_012414.4 (MANE Select); coding-DNA position 550, C replaced by T.
Protein change: p.Pro184Ser; replaces proline 184 with serine.
Molecular consequence: missense variant.
Genome position (GRCh38, 1-based): chr1:220,210,450, G>A on the plus strand (C>T on the coding strand, the complement: RAB3GAP2 is on the minus strand). VCF-style: chr1-220210450-G-A. GRCh37 (hg19) VCF-style: chr1-220383792-G-A.
Other names: short protein forms P184S.
Identifiers: ClinVar variation 2130460 (VCV002130460.4), dbSNP rs2528719687, ClinGen allele CA344730343.
Genomic context (GRCh38, chr1:220,210,450, plus strand): 5'-GCTCAGTCACGCCGGGATGTCGTGGTATTTCATAGGTTCTGCATTTAAGTTGAAGTACTG[G>A]GTCCTCATTCAAAAGCTGTGCAAGCAAGAGCACACCATTCTAGGAGGAAGCACAGAGAAG-3'
Protein context (NP_036546.2, residues 174-194): LLLAQLLNED[Pro184Ser]VLQLKCRTYE

ClinVar aggregate classification (germline): Uncertain significance (1 of 4 stars; one submission).

Conditions:
Martsolf syndrome (MARTS). Also called: Congenital cataract with intellectual disability and hypogonadotropic hypogonadism syndrome. Identifiers: Orphanet 1387, MedGen C0796037, MONDO:0023910.
Warburg micro syndrome 2 (WARBM2). Also called: MICRO SYNDROME 2. Identifiers: Orphanet 2510, MedGen C3280214, MONDO:0013641, OMIM 614225.

Submission:

Labcorp Genetics (formerly Invitae), Labcorp
Classification: Uncertain significance for Martsolf syndrome; Warburg micro syndrome 2. Last evaluated: 2022-04-25. Review status: criteria provided, single submitter. Criteria: Invitae Variant Classification Sherloc (09022015). Collection method: clinical testing. Allele origin: germline.
Comment: This sequence change replaces proline, which is neutral and non-polar, with serine, which is neutral and polar, at codon 184 of the RAB3GAP2 protein (p.Pro184Ser). In summary, the available evidence is currently insufficient to determine the role of this variant in disease. Therefore, it has been classified as a Variant of Uncertain Significance. Algorithms developed to predict the effect of missense changes on protein structure and function output the following: SIFT: "Tolerated"; PolyPhen-2: "Benign"; Align-GVGD: "Class C0". The serine amino acid residue is found in multiple mammalian species, which suggests that this missense change does not adversely affect protein function. This variant has not been reported in the literature in individuals affected with RAB3GAP2-related conditions. This variant is not present in population databases (gnomAD no frequency).